The following is an entry in ClinVar:

NM_006939.4(SOS2):c.1930G>A (p.Glu644Lys)

Gene: SOS2 (SOS Ras/Rho guanine nucleotide exchange factor 2; minus strand). Cytogenetic location: 14q21.3.
Variant type: single nucleotide variant.
Coding change: c.1930G>A on transcript NM_006939.4 (MANE Select); coding-DNA position 1930, G replaced by A.
Protein change: p.Glu644Lys; replaces glutamic acid 644 with lysine.
Molecular consequence: missense variant.
Genome position (GRCh38, 1-based): chr14:50,158,569, C>T on the plus strand (G>A on the coding strand, the complement: SOS2 is on the minus strand). VCF-style: chr14-50158569-C-T. GRCh37 (hg19) VCF-style: chr14-50625287-C-T.
Other names: c.1831G>A, p.Glu611Lys (NM_001411020.1); short protein forms E611K, E644K.
Identifiers: ClinVar variation 1707056 (VCV001707056.2), dbSNP rs2502982270, ClinGen allele CA389644638.

ClinVar aggregate classification (germline): Uncertain significance (1 of 4 stars; one submission).

Submission:

GeneDx
Classification: Uncertain significance. Last evaluated: 2022-03-21. Review status: criteria provided, single submitter. Criteria: GeneDx Variant Classification Process June 2021. Collection method: clinical testing. Allele origin: germline. Affected: yes.
Comment: Not observed at significant frequency in large population cohorts (gnomAD); In silico analysis supports that this missense variant has a deleterious effect on protein structure/function; Has not been previously published as pathogenic or benign to our knowledge